The following is an entry in ClinVar:

NM_001135146.2(SLC39A8):c.951C>T (p.Ile317=)

Genes: SLC39A8 (solute carrier family 39 member 8; minus strand), LOC126807125 (MED14-independent group 3 enhancer GRCh37_chr4:103188587-103189786; plus strand). Cytogenetic location: 4q24.
Variant type: single nucleotide variant.
Coding change: c.951C>T on transcript NM_001135146.2 (MANE Select); coding-DNA position 951, C replaced by T.
Protein change: p.Ile317=; no amino-acid change (isoleucine 317 retained).
Molecular consequence: synonymous variant.
Genome position (GRCh38, 1-based): chr4:102,267,969, G>A on the plus strand (C>T on the coding strand, the complement: SLC39A8 is on the minus strand). VCF-style: chr4-102267969-G-A. GRCh37 (hg19) VCF-style: chr4-103189126-G-A.
Other names: c.951C>T, p.Ile317= (NM_001135147.1, NM_022154.5); c.750C>T, p.Ile250= (NM_001135148.2).
Identifiers: ClinVar variation 3046833 (VCV003046833.3), dbSNP rs375280715, ClinGen allele CA3025543.

ClinVar aggregate classification (germline): Likely benign. Review status: criteria provided, single submitter (1 of 4 stars). 2 submissions from 2 submitters: Likely benign (1). 1 of the submissions does not count toward it. Last evaluated 2024-10-29.

Conditions:
SLC39A8-related disorder. Also called: SLC39A8-related condition.

Allele frequency attached by ClinVar (database versions not stated): TOPMed 0.00003; gnomAD exomes 0.00004; gnomAD 0.00005; ExAC 0.00008; ESP Exome Variant Server 0.00008; 1000 Genomes Project 30x 0.00016; 1000 Genomes Project 0.00020.
gnomAD v4.1: 61 of 1,614,162 alleles (0.0038%); highest among the groups gnomAD compares: South Asian, 0.042%; no homozygotes.

Submissions (2):

Blueprint Genetics
Classification: Likely benign. Last evaluated: 2024-10-29. Review status: criteria provided, single submitter. Criteria: ACMG Guidelines, 2015. Collection method: clinical testing. Allele origin: germline.

PreventionGenetics, part of Exact Sciences
Classification: Likely benign for SLC39A8-related condition. Last evaluated: 2019-03-18. Review status: no assertion criteria provided. Collection method: clinical testing. Allele origin: germline. Not counted in ClinVar's aggregate classification.
Comment: This variant is classified as likely benign based on ACMG/AMP sequence variant interpretation guidelines (Richards et al. 2015 PMID: 25741868, with internal and published modifications).